The following is an entry in ClinVar:

NM_003172.4(SURF1):c.721G>A (p.Ala241Thr)

Gene: SURF1 (SURF1 cytochrome c oxidase assembly factor; minus strand). Cytogenetic location: 9q34.2.
Variant type: single nucleotide variant.
Coding change: c.721G>A on transcript NM_003172.4 (MANE Select); coding-DNA position 721, G replaced by A.
Protein change: p.Ala241Thr; replaces alanine 241 with threonine.
Molecular consequence: missense variant.
Genome position (GRCh38, 1-based): chr9:133,352,476, C>T on the plus strand (G>A on the coding strand, the complement: SURF1 is on the minus strand). VCF-style: chr9-133352476-C-T. GRCh37 (hg19) VCF-style: chr9-136219331-C-T.
Other names: c.394G>A, p.Ala132Thr (NM_001280787.1); c.721G>A (NM_003172.2); short protein forms A132T, A241T.
Identifiers: ClinVar variation 1416065 (VCV001416065.7), dbSNP rs782157083, ClinGen allele CA200832342.

ClinVar aggregate classification (germline): Uncertain significance. Review status: criteria provided, multiple submitters, no conflicts (2 of 4 stars). 3 submissions from 3 submitters: Uncertain significance (3). Last evaluated 2026-04-13.

Conditions:
Leigh syndrome (NULS). Also called: Leigh's syndrome; Leigh's necrotizing encephalopathy; Leigh's disease; Leigh Syndrome (mtDNA deletion); Leigh Disease; Subacute necrotizing encephalopathy. Identifiers: Orphanet 506, MedGen C2931891, MONDO:0009723, OMIM 256000.
Mitochondrial complex IV deficiency, nuclear type 1 (MC4DN1). Also called: COX DEFICIENCY; Mitochondrial complex IV deficiency; Complex 4 mitochondrial respiratory chain deficiency; Deficiency of mitochondrial respiratory chain complex4; Complex IV deficiency. Identifiers: MedGen C5435656, MONDO:0700250, OMIM 220110. Disease mechanism: loss of function.

Allele frequency attached by ClinVar (database versions not stated): gnomAD 0.00003; TOPMed 0.00003.

Submissions (3):

GeneDx
Classification: Uncertain significance. Last evaluated: 2026-04-13. Review status: criteria provided, single submitter. Criteria: GeneDx Variant Classification Process June 2021. Collection method: clinical testing. Allele origin: germline.
Comment: Not observed at significant frequency in large population cohorts (gnomAD); In silico analysis suggests that this missense variant does not alter protein structure/function; Has not been previously published as pathogenic or benign to our knowledge

3billion
Classification: Uncertain significance for Mitochondrial complex IV deficiency, nuclear type 1. Last evaluated: 2024-06-14. Review status: criteria provided, single submitter. Criteria: ACMG Guidelines, 2015. Collection method: clinical testing. Allele origin: germline. Affected: yes.
Comment: The variant is observed at an extremely low frequency in the gnomAD v4.0.0 dataset (total allele frequency: 0.004%). Predicted Consequence/Location: The majority of the known disease-causing variants of this gene are variants expected to result in premature termination of the protein. Damaging effect on gene or gene product predicted by in silico programs is uncertain [REVEL: 0.22 (damaging >=0.6, benign <0.4), 3Cnet: 0.16 (damaging >=0.6, benign <0.15)]. A different missense change at the same codon (p.Ala241Val) has been reported to be associated with SURF1 related disorder (PMID: 35094435). Therefore, this variant is classified as VUS according to the recommendation of ACMG/AMP guideline.

Labcorp Genetics (formerly Invitae), Labcorp
Classification: Uncertain significance for Leigh syndrome. Last evaluated: 2022-07-29. Review status: criteria provided, single submitter. Criteria: Invitae Variant Classification Sherloc (09022015). Collection method: clinical testing. Allele origin: germline.
Comment: This sequence change replaces alanine, which is neutral and non-polar, with threonine, which is neutral and polar, at codon 241 of the SURF1 protein (p.Ala241Thr). This variant is present in population databases (rs782157083, gnomAD 0.006%). This variant has not been reported in the literature in individuals affected with SURF1-related conditions. ClinVar contains an entry for this variant (Variation ID: 1416065). Algorithms developed to predict the effect of missense changes on protein structure and function output the following: SIFT: "Tolerated"; PolyPhen-2: "Benign"; Align-GVGD: "Class C0". The threonine amino acid residue is found in multiple mammalian species, which suggests that this missense change does not adversely affect protein function. In summary, the available evidence is currently insufficient to determine the role of this variant in disease. Therefore, it has been classified as a Variant of Uncertain Significance.

Literature cited by the submitters: PubMed 35094435 (cited by 3billion).